The following is an entry in ClinVar:

ClinVar aggregate classification (germline): Uncertain significance. Review status: criteria provided, multiple submitters, no conflicts (2 of 4 stars). 2 submissions from 2 submitters: Uncertain significance (2). Last evaluated 2025-06-10.

Conditions:
TTN-related disorder. Also called: TTN-related condition; TTN-related disease; TTN-related disorders.

Allele frequency attached by ClinVar (database versions not stated): ExAC 0.00001; gnomAD 0.00003; TOPMed 0.00007.
gnomAD v4.1: 55 of 1,612,328 alleles (0.0034%); highest among the groups gnomAD compares: Admixed American, 0.025%; no homozygotes.

Submissions (2):

PreventionGenetics, part of Exact Sciences
Classification: Uncertain significance for TTN-related condition. Last evaluated: 2025-06-10. Review status: criteria provided, single submitter. Criteria: ACMG Guidelines, 2015. Collection method: clinical testing. Allele origin: germline.
Comment: The TTN c.12769A>T variant is predicted to result in the amino acid substitution p.Ser4257Cys. This variant is a missense alteration, c.12769A>T (p.Ser4257Cys), located in exon 46 of the Novex-3 transcript (minor small cardiac isoform) which is the last exon of this transcript (NM_133379). This exon is not included in any other TTN transcripts (principle cardiac or skeletal muscle isoforms). To our knowledge, this variant has not been reported in the literature. This variant is reported in 0.023% of alleles in individuals of Latino descent in gnomAD. At this time, the clinical significance of this variant is uncertain due to the absence of conclusive functional and genetic evidence.

Eurofins Ntd Llc (ga)
Classification: Uncertain significance. Last evaluated: 2018-07-30. Review status: criteria provided, single submitter. Criteria: EGL ClinVar v180209 classification definitions. Collection method: clinical testing. Allele origin: germline. Observed: 1 variant allele, 1 heterozygote.

NM_133379.5(TTN):c.12769A>T (p.Ser4257Cys)

Gene: TTN (titin; minus strand). Cytogenetic location: 2q31.2.
Variant type: single nucleotide variant.
Coding change: c.12769A>T on transcript NM_133379.5; coding-DNA position 12769, A replaced by T.
Protein change: p.Ser4257Cys; replaces serine 4257 with cysteine.
Molecular consequence: missense variant. On other transcripts: intron variant (6).
Genome position (GRCh38, 1-based): chr2:178,749,631, T>A on the plus strand (A>T on the coding strand, the complement: TTN is on the minus strand). VCF-style: chr2-178749631-T-A. GRCh37 (hg19) VCF-style: chr2-179614358-T-A.
Other names: c.10222+3493A>T (NM_003319.4); c.10798+3493A>T (NM_133437.4); c.10597+3493A>T (NM_133432.3); c.10360+3493A>T (NM_133378.4, NM_001256850.1); c.11311+3493A>T (NM_001267550.2); c.12769A>T (NM_133379.4); short protein forms S4257C.
Identifiers: ClinVar variation 598194 (VCV000598194.7), dbSNP rs779286432, ClinGen allele CA2003504.